The following is an entry in ClinVar:

NM_000540.3(RYR1):c.5504A>C (p.Glu1835Ala)

Gene: RYR1 (ryanodine receptor 1; plus strand). Cytogenetic location: 19q13.2.
Variant type: single nucleotide variant.
Coding change: c.5504A>C on transcript NM_000540.3 (MANE Select); coding-DNA position 5504, A replaced by C.
Protein change: p.Glu1835Ala; replaces glutamic acid 1835 with alanine.
Molecular consequence: missense variant.
Genome position (GRCh38, 1-based): chr19:38,486,159, A>C. VCF-style: chr19-38486159-A-C. GRCh37 (hg19) VCF-style: chr19-38976799-A-C.
Other names: c.5504A>C, p.Glu1835Ala (NM_001042723.2); short protein forms E1835A.
Identifiers: ClinVar variation 3377384 (VCV003377384.1).

ClinVar aggregate classification (germline): Uncertain significance (1 of 4 stars; one submission).

Conditions:
Central core myopathy (CMYO1A). Also called: CONGENITAL MYOPATHY 1A, AUTOSOMAL DOMINANT, WITH SUSCEPTIBILITY TO MALIGNANT HYPERTHERMIA; Central core disease; Myopathy, central fibrillar. Identifiers: Orphanet 597, MedGen C5830701, MONDO:0007294, OMIM 117000.

Submission:

Victorian Clinical Genetics Services, Murdoch Childrens Research Institute
Classification: Uncertain significance for Central core myopathy. Last evaluated: 2022-03-31. Review status: criteria provided, single submitter. Criteria: ACMG Guidelines, 2015. Collection method: clinical testing. Allele origin: germline.
Comment: Based on the classification scheme VCGS_Germline_v1.3.4, this variant is classified as VUS-3A. Following criteria are met: 0103 - Loss of function and gain of function are known mechanisms of disease in this gene. Variants exerting a loss of function effect are associated with autosomal recessive minicore myopathy with external ophthalmoplegia (MIM#255320), central core disease and neuromuscular disease, congenital, with uniform type 1 fiber (MIM#117000). Gain of function is associated with autosomal dominant King-Denborough syndrome (MIM#619542), malignant hyperthermia susceptibility (MIM#145600), central core disease and neuromuscular disease, congenital, with uniform type 1 fiber (MIM#117000) (PMID: 23919265, 27855725, 27858745, 30155320). (I) 0108 - This gene is associated with both recessive and dominant disease. (I) 0200 - Variant is predicted to result in a missense amino acid change from glutamic acid to alanine. (I) 0251 - This variant is heterozygous. (I) 0301 - Variant is absent from gnomAD (both v2 and v3). (SP) 0502 - Missense variant with conflicting in silico predictions and uninformative conservation. (I) 0604 - Variant is not located in an established domain, motif, hotspot or informative constraint region. (I) 0710 - Another missense variant comparable to the one identified in this case has inconclusive previous evidence for pathogenicity. p.(Glu1835Lys) has been classified as a VUS by a diagnostic laboratory in ClinVar. (I) 0803 - This variant has limited previous evidence of pathogenicity in an unrelated individual. In a cohort of individuals with neuromuscular disorders, this variant was listed as causative however, additional details such as clinical information and zygosity were not provided (PMID: 32528171). (SP) 0905 - No published segregation evidence has been identified for this variant. (I) 1007 - No published functional evidence has been identified for this variant. (I) 1208 - Inheritance information for this variant is not currently available in this individual. (I) Legend: (SP) - Supporting pathogenic, (I) - Information, (SB) - Supporting benign

Literature cited by the submitters: PubMed 23919265; PubMed 27855725; PubMed 27858745; PubMed 30155320; PubMed 32528171.